The following is an entry in ClinVar:

ClinVar aggregate classification (germline): Uncertain significance. Review status: criteria provided, multiple submitters, no conflicts (2 of 4 stars). 2 submissions from 2 submitters: Uncertain significance (2). Last evaluated 2024-02-22.

Conditions:
Inborn genetic diseases. Identifiers: MedGen C0950123, MeSH D030342.
Immunodeficiency, common variable, 7. Identifiers: Orphanet 1572, Orphanet 696894, MedGen C3542922, MONDO:0013862, OMIM 614699.

Allele frequency attached by ClinVar (database versions not stated): ExAC 0.00002; gnomAD exomes 0.00004 and 0.00003; ESP Exome Variant Server 0.00008; gnomAD 0.00002; TOPMed 0.00003.
gnomAD v4.1: 54 of 1,612,954 alleles (0.0033%); highest among the groups gnomAD compares: Non-Finnish European, 0.0045%; no homozygotes.

Submissions (2):

Ambry Genetics
Classification: Uncertain significance for Inborn genetic diseases. Last evaluated: 2024-02-22. Review status: criteria provided, single submitter. Criteria: Ambry Variant Classification Scheme 2023. Collection method: clinical testing. Allele origin: germline.

Labcorp Genetics (formerly Invitae), Labcorp
Classification: Uncertain significance for Immunodeficiency, common variable, 7. Last evaluated: 2023-08-07. Review status: criteria provided, single submitter. Criteria: Invitae Variant Classification Sherloc (09022015). Collection method: clinical testing. Allele origin: germline.
Comment: In summary, the available evidence is currently insufficient to determine the role of this variant in disease. Therefore, it has been classified as a Variant of Uncertain Significance. Algorithms developed to predict the effect of missense changes on protein structure and function output the following: SIFT: "Not Available"; PolyPhen-2: "Benign"; Align-GVGD: "Not Available". The glutamic acid amino acid residue is found in multiple mammalian species, which suggests that this missense change does not adversely affect protein function. ClinVar contains an entry for this variant (Variation ID: 1365774). This variant has not been reported in the literature in individuals affected with CR2-related conditions. This variant is present in population databases (rs373514640, gnomAD 0.006%). This sequence change replaces lysine, which is basic and polar, with glutamic acid, which is acidic and polar, at codon 860 of the CR2 protein (p.Lys860Glu).

NM_001006658.3(CR2):c.2578A>G (p.Lys860Glu)

Gene: CR2 (complement C3d receptor 2; plus strand). Cytogenetic location: 1q32.2.
Variant type: single nucleotide variant.
Coding change: c.2578A>G on transcript NM_001006658.3 (MANE Select); coding-DNA position 2578, A replaced by G.
Protein change: p.Lys860Glu; replaces lysine 860 with glutamic acid.
Molecular consequence: missense variant.
Genome position (GRCh38, 1-based): chr1:207,475,078, A>G. VCF-style: chr1-207475078-A-G. GRCh37 (hg19) VCF-style: chr1-207648423-A-G.
Other names: c.2578A>G (NM_001006658.2); c.2401A>G, p.Lys801Glu (NM_001877.5); short protein forms K801E, K860E.
Identifiers: ClinVar variation 1365774 (VCV001365774.8), dbSNP rs373514640, ClinGen allele CA1369007.
Genomic context (GRCh38, chr1:207,475,078, plus strand): 5'-CGATCTCCTCCTGTGACTCGCTGCCCTAATCCAGAAGTCAAACATGGGTACAAGCTCAAT[A>G]AAACACATTCTGCATATTCCCACAATGACATAGTGTATGTTGACTGCAATCCTGGCTTCA-3'
Protein context (NP_001006659.1, residues 850-870): PEVKHGYKLN[Lys860Glu]THSAYSHNDI